The following is an entry in ClinVar:

ClinVar aggregate classification (germline): Benign/Likely benign. Review status: criteria provided, multiple submitters, no conflicts (2 of 4 stars). 3 submissions from 3 submitters: Benign (1); Likely benign (2). Last evaluated 2024-09-04.

Conditions:
Hereditary cancer-predisposing syndrome. Also called: Hereditary neoplastic syndrome; Hereditary Cancer Syndrome; Neoplastic Syndromes, Hereditary; Tumor predisposition. Identifiers: Orphanet 140162, MedGen C0027672, MeSH D009386, MONDO:0015356.
Familial adenomatous polyposis 1 (FAP1). Also called: POLYPOSIS, ADENOMATOUS INTESTINAL; FAMILIAL ADENOMATOUS POLYPOSIS 1, ATTENUATED. Identifiers: MedGen C2713442, MONDO:0021056, OMIM 175100. Disease mechanism: loss of function.

Allele frequency attached by ClinVar (database versions not stated): ExAC 0.00001; gnomAD exomes 0.00001.

Submissions (3):

Labcorp Genetics (formerly Invitae), Labcorp
Classification: Likely benign for Familial adenomatous polyposis 1. Last evaluated: 2024-09-04. Review status: criteria provided, single submitter. Criteria: Invitae Variant Classification Sherloc (09022015). Collection method: clinical testing. Allele origin: germline.

Myriad Genetics, Inc.
Classification: Benign for Familial adenomatous polyposis 1. Last evaluated: 2024-02-22. Review status: criteria provided, single submitter. Criteria: Myriad Autosomal Dominant, Autosomal Recessive and X-Linked Classification Criteria (2023). Collection method: clinical testing. Allele origin: unknown.
Comment: This variant is considered benign. This variant is a silent/synonymous amino acid change and it is not expected to impact splicing.

Ambry Genetics
Classification: Likely benign for Hereditary cancer-predisposing syndrome. Last evaluated: 2023-06-08. Review status: criteria provided, single submitter. Criteria: Ambry Variant Classification Scheme 2023. Collection method: clinical testing. Allele origin: germline.

NM_000038.6(APC):c.189T>C (p.Ser63=)

Gene: APC (APC regulator of Wnt signaling pathway; plus strand). Cytogenetic location: 5q22.2.
Variant type: single nucleotide variant.
Coding change: c.189T>C on transcript NM_000038.6 (MANE Select); coding-DNA position 189, T replaced by C.
Protein change: p.Ser63=; no amino-acid change (serine 63 retained).
Molecular consequence: synonymous variant. On other transcripts: 5 prime UTR variant (4), non-coding transcript variant (2).
Genome position (GRCh38, 1-based): chr5:112,766,379, T>C. VCF-style: chr5-112766379-T-C. GRCh37 (hg19) VCF-style: chr5-112102076-T-C.
Other names: c.189T>C, p.Ser63= (NM_001127510.3, NM_001354895.2, NM_001354896.2 and 16 more transcripts); c.219T>C, p.Ser73= (NM_001127511.3, NM_001354897.2, NM_001354902.2 and 1 more transcripts); c.114T>C, p.Ser38= (NM_001354898.2, NM_001354904.2, NM_001407451.1); c.12T>C, p.Ser4= (NM_001354900.2, NM_001354901.2, NM_001354905.2 and 1 more transcripts); c.-847T>C (NM_001354906.2, NM_001407470.1, NM_001407471.1 and 1 more transcripts).
Identifiers: ClinVar variation 2567065 (VCV002567065.5), dbSNP rs759352811, ClinGen allele CA029883.